The following is an entry in ClinVar:

NM_001008537.3(NEXMIF):c.2755del (p.Ser919fs)

Gene: NEXMIF (neurite extension and migration factor; minus strand). Cytogenetic location: Xq13.3.
Variant type: Deletion.
Coding change: c.2755del on transcript NM_001008537.3 (MANE Select); coding-DNA position 2755, one base deleted (T; older notation c.2755delT).
Protein change: p.Ser919fs; shifts the reading frame from serine 919.
Molecular consequence: frameshift variant.
Genome position (GRCh38, 1-based): chrX:74,741,802, A deleted on the plus strand (T on the coding strand, the reverse complement: NEXMIF is on the minus strand). VCF-style (leftmost placement, unchanged base first): chrX-74741801-GA-G. GRCh37 (hg19) VCF-style: chrX-73961636-GA-G.
Other names: short protein forms S919fs.
Identifiers: ClinVar variation 3382622 (VCV003382622.2).
Genomic context (GRCh38, chrX:74,741,801, plus strand): 5'-TTGAGACAGATTGGATTGTATGTTGTAGGTGTGAGGTTATTTTCCATGGAGACTACTTGG[GA>G]GGCTCCAAATTCACTGGATTGGGTTGGGGCTATCTCCCTTGAGACTTCAGCCATGAATTC-3'

ClinVar aggregate classification (germline): Likely pathogenic (1 of 4 stars; one submission).

Conditions:
X-linked intellectual disability, Cantagrel type (XLID98). Also called: INTELLECTUAL DEVELOPMENTAL DISORDER, X-LINKED 98. Identifiers: Orphanet 85277, MedGen C3806730, MONDO:0010483, OMIM 300912.

Submission:

Juno Genomics, Hangzhou Juno Genomics, Inc
Classification: Likely pathogenic for X-linked intellectual disability, Cantagrel type. Review status: criteria provided, single submitter. Criteria: ACMG Guidelines, 2015. Collection method: clinical testing. Allele origin: germline. Affected: yes.
Comment: Null variant in a gene where loss of function (LOF) is a known mechanism of disease.;Absent from controls (or at extremely low frequency if recessive) in Genome Aggregation Database, Exome Sequencing Project, 1000 Genomes Project, or Exome Aggregation Consortium.